The following is an entry in ClinVar:

NM_020843.4(SCAPER):c.772+2014A>T

Gene: SCAPER (S-phase cyclin A associated protein in the ER; minus strand). Cytogenetic location: 15q24.3.
Variant type: single nucleotide variant.
Coding change: c.772+2014A>T on transcript NM_020843.4 (MANE Select); 2014 bases into the intron after coding-DNA position 772, A replaced by T.
Molecular consequence: intron variant. On other transcripts: missense variant (1), initiator codon variant (1).
Genome position (GRCh38, 1-based): chr15:76,793,266, T>A on the plus strand (A>T on the coding strand, the complement: SCAPER is on the minus strand). VCF-style: chr15-76793266-T-A. GRCh37 (hg19) VCF-style: chr15-77085607-T-A.
Other names: c.1A>T, p.Met1Leu (NM_001145923.2); c.370+2014A>T (NM_001353011.2, NM_001353012.2, NM_001353010.2); c.772+2014A>T (NM_001353009.2); short protein forms M1L.
Identifiers: ClinVar variation 5000721 (VCV005000721.1).
Genomic context (GRCh38, chr15:76,793,266, plus strand): 5'-TTATTATATATTACTTGAAGTATACACCTGTGATATTGCAAAATATATATTTGGTCTTCA[T>A]CTCAAGTCTCCTGGCATGCAACTCCTAAAATCTTTGGAATTCCCAAAATGATGTGTCTTT-3'

ClinVar aggregate classification (germline): Uncertain significance (1 of 4 stars; one submission).

Conditions:
SCAPER-related disorder. Also called: SCAPER-related condition.

Submission:

PreventionGenetics, part of Exact Sciences
Classification: Uncertain significance for SCAPER-related condition. Last evaluated: 2025-12-29. Review status: criteria provided, single submitter. Criteria: ACMG Guidelines, 2015. Collection method: clinical testing. Allele origin: germline.
Comment: The SCAPER c.1A>T variant is predicted to disrupt the translation initiation site (Start Loss). In the more commonly reported transcript (NM_020843.2), this variant is intronic (c.772+2014A>T). To our knowledge, this variant has not been reported in the literature or in a large population database (gnomAD), indicating this variant is rare. At this time, the clinical significance of this variant is uncertain due to the absence of conclusive functional and genetic evidence.